The following is an entry in ClinVar:

NM_001258392.3(CLPB):c.194G>C (p.Gly65Ala)

Genes: CLPB (ClpB family mitochondrial disaggregase; minus strand), LOC130006336 (ATAC-STARR-seq lymphoblastoid active region 5191; plus strand). Cytogenetic location: 11q13.4.
Variant type: single nucleotide variant.
Coding change: c.194G>C on transcript NM_001258392.3 (MANE Select); coding-DNA position 194, G replaced by C.
Protein change: p.Gly65Ala; replaces glycine 65 with alanine.
Molecular consequence: missense variant. On other transcripts: 5 prime UTR variant (1).
Genome position (GRCh38, 1-based): chr11:72,434,281, C>G on the plus strand (G>C on the coding strand, the complement: CLPB is on the minus strand). VCF-style: chr11-72434281-C-G. GRCh37 (hg19) VCF-style: chr11-72145325-C-G.
Other names: c.194G>C, p.Gly65Ala (NM_001258393.3, NM_030813.6); c.-49G>C (NM_001258394.3); short protein forms G65A.
Identifiers: ClinVar variation 5008122 (VCV005008122.1).
Genomic context (GRCh38, chr11:72,434,281, plus strand): 5'-GCCGCGAGGCATTTGGTATCGAAGCGTCCTCCCTGGCGCCCCCCGGTGGCTGCCCCACGT[C>G]CGGAGAACAAGGCCGGCGATGTTCCAGGGCGCCCCCCGGTGGCTACCCTCAGCCACTGCG-3'
Protein context (NP_001245321.1, residues 55-75): RPGTSPALFS[Gly65Ala]RGAATGGRQG

ClinVar aggregate classification (germline): Uncertain significance (1 of 4 stars; one submission).

gnomAD v4.1: 1 of 1,612,846 alleles (0.000062%); highest among the groups gnomAD compares: African/African-American, 0.0013%; no homozygotes.

Submission:

GeneDx
Classification: Uncertain significance. Last evaluated: 2026-03-12. Review status: criteria provided, single submitter. Criteria: GeneDx Variant Classification Process June 2021. Collection method: clinical testing. Allele origin: germline.
Comment: Not observed at significant frequency in large population cohorts (gnomAD); In silico analysis suggests that this missense variant does not alter protein structure/function; Has not been previously published as pathogenic or benign to our knowledge